The following is an entry in ClinVar:

ClinVar aggregate classification (germline): Pathogenic/Likely pathogenic. Review status: criteria provided, multiple submitters, no conflicts (2 of 4 stars). 4 submissions from 4 submitters: Pathogenic (3); Likely pathogenic (1). Last evaluated 2025-10-29.

Conditions:
Hereditary cancer-predisposing syndrome. Also called: Neoplastic Syndromes, Hereditary; Tumor predisposition; Hereditary Cancer Syndrome; Hereditary neoplastic syndrome. Identifiers: Orphanet 140162, MedGen C0027672, MeSH D009386, MONDO:0015356.
Familial cancer of breast. Also called: BREAST CANCER, FAMILIAL; hereditary breast carcinoma; Hereditary breast cancer. Identifiers: Orphanet 227535, MedGen C0346153, MONDO:0016419, OMIM 114480. Disease mechanism: loss of function.

Submissions (4):

Ambry Genetics
Classification: Pathogenic for Hereditary cancer-predisposing syndrome. Last evaluated: 2025-10-29. Review status: criteria provided, single submitter. Criteria: Ambry Variant Classification Scheme 2023. Collection method: clinical testing. Allele origin: germline.
Comment: The c.500_513del14 pathogenic mutation, located in coding exon 4 of the PALB2 gene, results from a deletion of 14 nucleotides at nucleotide positions 500 to 513, causing a translational frameshift with a predicted alternate stop codon (p.D167Vfs*13). This variant is considered to be rare based on population cohorts in the Genome Aggregation Database (gnomAD). This alteration is expected to result in loss of function by premature protein truncation or nonsense-mediated mRNA decay. As such, this alteration is interpreted as a disease-causing mutation.

Labcorp Genetics (formerly Invitae), Labcorp
Classification: Pathogenic for Familial cancer of breast. Last evaluated: 2023-11-01. Review status: criteria provided, single submitter. Criteria: Invitae Variant Classification Sherloc (09022015). Collection method: clinical testing. Allele origin: germline.
Comment: This sequence change creates a premature translational stop signal (p.Asp167Valfs*13) in the PALB2 gene. It is expected to result in an absent or disrupted protein product. Loss-of-function variants in PALB2 are known to be pathogenic (PMID: 17200668, 17200671, 17200672, 24136930, 25099575). This variant is not present in population databases (gnomAD no frequency). This variant has not been reported in the literature in individuals affected with PALB2-related conditions. ClinVar contains an entry for this variant (Variation ID: 233899). For these reasons, this variant has been classified as Pathogenic.

Myriad Genetics, Inc.
Classification: Pathogenic for Familial cancer of breast. Last evaluated: 2023-09-06. Review status: criteria provided, single submitter. Criteria: Myriad Autosomal Dominant, Autosomal Recessive and X-Linked Classification Criteria (2023). Collection method: clinical testing. Allele origin: unknown.
Comment: This variant is considered pathogenic. This variant creates a frameshift predicted to result in premature protein truncation.

Baylor Genetics
Classification: Likely pathogenic for Familial cancer of breast. Last evaluated: 2022-05-17. Review status: criteria provided, single submitter. Criteria: ACMG Guidelines, 2015. Collection method: clinical testing. Allele origin: unknown.

Literature cited by the submitters: PubMed 17200668 (cited by Labcorp Genetics (formerly Invitae), Labcorp); PubMed 17200671 (cited by Labcorp Genetics (formerly Invitae), Labcorp); PubMed 17200672 (cited by Labcorp Genetics (formerly Invitae), Labcorp); PubMed 24136930 (cited by Labcorp Genetics (formerly Invitae), Labcorp); PubMed 25099575 (cited by Labcorp Genetics (formerly Invitae), Labcorp).

NM_024675.4(PALB2):c.500_513del (p.Asp167fs)

Gene: PALB2 (partner and localizer of BRCA2; minus strand). Cytogenetic location: 16p12.2.
Variant type: Deletion.
Coding change: c.500_513del on transcript NM_024675.4 (MANE Select); coding-DNA positions 500 to 513, 14 bases deleted (ATTCACTCAGATTG).
Protein change: p.Asp167fs; shifts the reading frame from aspartic acid 167.
Molecular consequence: frameshift variant.
Genome position (GRCh38, 1-based): chr16:23,636,033-23,636,046, CAATCTGAGTGAAT deleted on the plus strand (ATTCACTCAGATTG on the coding strand, the reverse complement: PALB2 is on the minus strand); deleting any 14 consecutive bases within chr16:23,636,033-23,636,048 gives the same sequence; the c. name uses the placement nearest the transcript's 3' end. VCF-style (leftmost placement, unchanged base first): chr16-23636032-ACAATCTGAGTGAAT-A. GRCh37 (hg19) VCF-style: chr16-23647353-ACAATCTGAGTGAAT-A.
Other names: c.500_513del14 (NM_024675.3); short protein forms D167fs.
Identifiers: ClinVar variation 233899 (VCV000233899.16), dbSNP rs876660719, ClinGen allele CA10580040.